The following is an entry in ClinVar:

NM_001042492.3(NF1):c.4456T>C (p.Cys1486Arg)

Gene: NF1 (neurofibromin 1; plus strand). Cytogenetic location: 17q11.2.
Variant type: single nucleotide variant.
Coding change: c.4456T>C on transcript NM_001042492.3 (MANE Select); coding-DNA position 4456, T replaced by C.
Protein change: p.Cys1486Arg; replaces cysteine 1486 with arginine.
Molecular consequence: missense variant.
Genome position (GRCh38, 1-based): chr17:31,260,394, T>C. VCF-style: chr17-31260394-T-C. GRCh37 (hg19) VCF-style: chr17-29587412-T-C.
Other names: c.4393T>C, p.Cys1465Arg (NM_000267.4); short protein forms C1486R, C1465R.
Identifiers: ClinVar variation 2699162 (VCV002699162.3), dbSNP rs2151464571, ClinGen allele CA398999256.
Genomic context (GRCh38, chr17:31,260,394, plus strand): 5'-GTGTTGAAAATTCTAATGACTTTGCATTTTTGAAGGTTTTTCCTTGATATAGCATCTGAT[T>C]GTCCTACAAGTGATGCAGTAAATCATAGTCTTTCCTTCATAAGTGACGGCAATGTGCTTG-3'
Protein context (NP_001035957.1, residues 1476-1496): RRFFLDIASD[Cys1486Arg]PTSDAVNHSL

ClinVar aggregate classification (germline): Uncertain significance (1 of 4 stars; one submission).

Conditions:
Neurofibromatosis, type 1 (NF1). Also called: Peripheral type neurofibromatosis; VON RECKLINGHAUSEN DISEASE; Neurofibromatosis, type I; NEUROFIBROMATOSIS, TYPE I, SOMATIC. Identifiers: Orphanet 636, MedGen C0027831, MONDO:0018975, OMIM 162200. Disease mechanism: loss of function.

Submission:

Labcorp Genetics (formerly Invitae), Labcorp
Classification: Uncertain significance for Neurofibromatosis, type 1. Last evaluated: 2023-11-27. Review status: criteria provided, single submitter. Criteria: Invitae Variant Classification Sherloc (09022015). Collection method: clinical testing. Allele origin: germline.
Comment: This sequence change replaces cysteine, which is neutral and slightly polar, with arginine, which is basic and polar, at codon 1465 of the NF1 protein (p.Cys1465Arg). This variant is not present in population databases (gnomAD no frequency). This variant has not been reported in the literature in individuals affected with NF1-related conditions. Advanced modeling of protein sequence and biophysical properties (such as structural, functional, and spatial information, amino acid conservation, physicochemical variation, residue mobility, and thermodynamic stability) performed at Invitae indicates that this missense variant is expected to disrupt NF1 protein function with a positive predictive value of 80%. In summary, the available evidence is currently insufficient to determine the role of this variant in disease. Therefore, it has been classified as a Variant of Uncertain Significance.